The following is an entry in ClinVar:

NM_001005242.3(PKP2):c.919A>G (p.Ser307Gly)

Gene: PKP2 (plakophilin 2; minus strand). Cytogenetic location: 12p11.21.
Variant type: single nucleotide variant.
Coding change: c.919A>G on transcript NM_001005242.3 (MANE Select); coding-DNA position 919, A replaced by G.
Protein change: p.Ser307Gly; replaces serine 307 with glycine.
Molecular consequence: missense variant.
Genome position (GRCh38, 1-based): chr12:32,877,961, T>C on the plus strand (A>G on the coding strand, the complement: PKP2 is on the minus strand). VCF-style: chr12-32877961-T-C. GRCh37 (hg19) VCF-style: chr12-33030895-T-C.
Other names: c.919A>G, p.Ser307Gly (NM_001407155.1, NM_001407156.1, NM_001407157.1 and 2 more transcripts); c.592A>G, p.Ser198Gly (NM_001407158.1, NM_001407159.1, NM_001407160.1 and 1 more transcripts); short protein forms S198G, S307G.
Identifiers: ClinVar variation 2856096 (VCV002856096.3), dbSNP rs1956948062, ClinGen allele CA384362027.

ClinVar aggregate classification (germline): Uncertain significance (1 of 4 stars; one submission).

Conditions:
Arrhythmogenic right ventricular dysplasia 9 (ARVD9). Also called: Arrhythmogenic Right Ventricular Dysplasia/Cardiomyopathy 9; ARRHYTHMOGENIC RIGHT VENTRICULAR DYSPLASIA, FAMILIAL, 9. Identifiers: MedGen C1836906, MONDO:0012180, OMIM 609040.

Allele frequency attached by ClinVar (database versions not stated): TOPMed 0.00001.

Submission:

Labcorp Genetics (formerly Invitae), Labcorp
Classification: Uncertain significance for Arrhythmogenic right ventricular dysplasia 9. Last evaluated: 2023-10-23. Review status: criteria provided, single submitter. Criteria: Invitae Variant Classification Sherloc (09022015). Collection method: clinical testing. Allele origin: germline.
Comment: This sequence change replaces serine, which is neutral and polar, with glycine, which is neutral and non-polar, at codon 307 of the PKP2 protein (p.Ser307Gly). This variant is not present in population databases (gnomAD no frequency). This variant has not been reported in the literature in individuals affected with PKP2-related conditions. An algorithm developed to predict the effect of missense changes on protein structure and function (PolyPhen-2) suggests that this variant is likely to be tolerated. In summary, the available evidence is currently insufficient to determine the role of this variant in disease. Therefore, it has been classified as a Variant of Uncertain Significance.